The following is an entry in ClinVar:

NM_000059.4(BRCA2):c.2657A>T (p.Asn886Ile)

Gene: BRCA2 (BRCA2 DNA repair associated; plus strand). Cytogenetic location: 13q13.1.
Variant type: single nucleotide variant.
Coding change: c.2657A>T on transcript NM_000059.4 (MANE Select); coding-DNA position 2657, A replaced by T.
Protein change: p.Asn886Ile; replaces asparagine 886 with isoleucine.
Molecular consequence: missense variant.
Genome position (GRCh38, 1-based): chr13:32,337,012, A>T. VCF-style: chr13-32337012-A-T. GRCh37 (hg19) VCF-style: chr13-32911149-A-T.
Other names: short protein forms N886I.
Identifiers: ClinVar variation 51323 (VCV000051323.15), dbSNP rs80358526, ClinGen allele CA015961.
Genomic context (GRCh38, chr13:32,337,012, plus strand): 5'-AAACTACTTCAATTTCAAAAATAACTGTCAATCCAGACTCTGAAGAACTTTTCTCAGACA[A>T]TGAGAATAATTTTGTCTTCCAAGTAGCTAATGAAAGGAATAATCTTGCTTTAGGAAATAC-3'
Protein context (NP_000050.3, residues 876-896): NPDSEELFSD[Asn886Ile]ENNFVFQVAN

ClinVar aggregate classification (germline): Conflicting classifications of pathogenicity. Review status: criteria provided, conflicting classifications (1 of 4 stars). 6 submissions from 6 submitters: Uncertain significance (2); Likely benign (2). 2 of the submissions do not count toward it. Last evaluated 2025-02-12.

Conditions:
Hereditary breast ovarian cancer syndrome. Also called: Hereditary breast and ovarian cancer syndrome; Hereditary breast and ovarian cancer; Hereditary breast and ovarian cancer syndrome (HBOC); Breast and ovarian cancer; Hereditary breast and/or ovarian cancer syndrome; BRCA1- and BRCA2-Associated Hereditary Breast and Ovarian Cancer. Identifiers: Orphanet 145, MedGen C0677776, MeSH D061325, MONDO:0003582. Disease mechanism: loss of function.
Hereditary cancer-predisposing syndrome. Also called: Neoplastic Syndromes, Hereditary; Tumor predisposition; Hereditary Cancer Syndrome; Hereditary neoplastic syndrome. Identifiers: Orphanet 140162, MedGen C0027672, MeSH D009386, MONDO:0015356.
Breast-ovarian cancer, familial, susceptibility to, 2 (BROVCA2). Also called: BRCA2 Hereditary Breast and Ovarian Cancer. Identifiers: Orphanet 145, MedGen C2675520, MONDO:0012933, OMIM 612555. Disease mechanism: loss of function.

gnomAD v4.1: 4 of 1,590,422 alleles (0.00025%); highest among the groups gnomAD compares: African/African-American, 0.0054%; no homozygotes.

Submissions (6):

Labcorp Genetics (formerly Invitae), Labcorp
Classification: Uncertain significance for Hereditary breast ovarian cancer syndrome. Last evaluated: 2025-02-12. Review status: criteria provided, single submitter. Criteria: Invitae Variant Classification Sherloc (09022015). Collection method: clinical testing. Allele origin: germline.
Comment: This sequence change replaces asparagine, which is neutral and polar, with isoleucine, which is neutral and non-polar, at codon 886 of the BRCA2 protein (p.Asn886Ile). This variant is not present in population databases (gnomAD no frequency). This missense change has been observed in individual(s) with clinical features of BRCA2-related conditions (PMID: 10923033, 21520333). ClinVar contains an entry for this variant (Variation ID: 51323). Invitae Evidence Modeling of protein sequence and biophysical properties (such as structural, functional, and spatial information, amino acid conservation, physicochemical variation, residue mobility, and thermodynamic stability) indicates that this missense variant is not expected to disrupt BRCA2 protein function with a negative predictive value of 95%. In summary, the available evidence is currently insufficient to determine the role of this variant in disease. Therefore, it has been classified as a Variant of Uncertain Significance.

Ambry Genetics
Classification: Likely benign for Hereditary cancer-predisposing syndrome. Last evaluated: 2024-07-01. Review status: criteria provided, single submitter. Criteria: Ambry Variant Classification Scheme 2023. Collection method: clinical testing. Allele origin: germline.

University of Washington Department of Laboratory Medicine, University of Washington
Classification: Likely benign for Hereditary cancer-predisposing syndrome. Last evaluated: 2023-03-23. Review status: criteria provided, single submitter. Criteria: Dines et al. (Genet Med. 2020). Collection method: curation. Allele origin: germline.
Comment: Missense variant in a coldspot region where missense variants are very unlikely to be pathogenic (PMID:31911673).

BRCA2 exon 11 coldspot. Reclassification based on statistical prior probability.

GeneDx
Classification: Uncertain significance. Last evaluated: 2022-09-19. Review status: criteria provided, single submitter. Criteria: GeneDx Variant Classification Process June 2021. Collection method: clinical testing. Allele origin: germline. Affected: yes.
Comment: Not observed at significant frequency in large population cohorts (gnomAD); In silico analysis supports that this missense variant has a deleterious effect on protein structure/function; Has not been previously published as pathogenic or benign to our knowledge; Also known as 2885A>T; This variant is associated with the following publications: (PMID: 31871109)

BRCAlab, Lund University
Classification: Uncertain significance for Breast-ovarian cancer, familial, susceptibility to, 2. Last evaluated: 2020-03-02. Review status: no assertion criteria provided. Collection method: clinical testing. Allele origin: germline. Affected: yes. Not counted in ClinVar's aggregate classification.

Breast Cancer Information Core (BIC) (BRCA2)
Classification: Uncertain significance for Breast-ovarian cancer, familial 2. Last evaluated: 1998-11-30. Review status: no assertion criteria provided. Collection method: clinical testing. Allele origin: germline. Affected: yes. Observed: 1 variant allele. Not counted in ClinVar's aggregate classification.

Literature cited by the submitters: PubMed 10923033 (cited by Labcorp Genetics (formerly Invitae), Labcorp); PubMed 21520333 (cited by Labcorp Genetics (formerly Invitae), Labcorp).